The following is an entry in ClinVar:

NM_004519.4(KCNQ3):c.2024A>G (p.Asn675Ser)

Gene: KCNQ3 (potassium voltage-gated channel subfamily Q member 3; minus strand). Cytogenetic location: 8q24.22.
Variant type: single nucleotide variant.
Coding change: c.2024A>G on transcript NM_004519.4 (MANE Select); coding-DNA position 2024, A replaced by G.
Protein change: p.Asn675Ser; replaces asparagine 675 with serine.
Molecular consequence: missense variant.
Genome position (GRCh38, 1-based): chr8:132,129,857, T>C on the plus strand (A>G on the coding strand, the complement: KCNQ3 is on the minus strand). VCF-style: chr8-132129857-T-C. GRCh37 (hg19) VCF-style: chr8-133142104-T-C.
Other names: c.1664A>G, p.Asn555Ser (NM_001204824.2); short protein forms N555S, N675S.
Identifiers: ClinVar variation 654846 (VCV000654846.10), dbSNP rs1586750924, ClinGen allele CA372217108.

ClinVar aggregate classification (germline): Uncertain significance (1 of 4 stars; one submission).

Conditions:
Benign neonatal seizures. Also called: Convulsions benign familial neonatal dominant form; Autosomal dominant form of benign neonatal seizures; Benign familial neonatal epilepsy; Benign familial neonatal seizures; Benign neonatal familial convulsions. Identifiers: Orphanet 1949, MedGen C0220669, MONDO:0016027.

Submission:

Labcorp Genetics (formerly Invitae), Labcorp
Classification: Uncertain significance for Benign neonatal seizures. Last evaluated: 2026-01-06. Review status: criteria provided, single submitter. Criteria: Invitae Variant Classification Sherloc (09022015). Collection method: clinical testing. Allele origin: germline.
Comment: This sequence change replaces asparagine, which is neutral and polar, with serine, which is neutral and polar, at codon 675 of the KCNQ3 protein (p.Asn675Ser). This variant is not present in population databases (gnomAD no frequency). This variant has not been reported in the literature in individuals affected with KCNQ3-related conditions. ClinVar contains an entry for this variant (Variation ID: 654846). Invitae Evidence Modeling of protein sequence and biophysical properties (such as structural, functional, and spatial information, amino acid conservation, physicochemical variation, residue mobility, and thermodynamic stability) indicates that this missense variant is not expected to disrupt KCNQ3 protein function with a negative predictive value of 95%. In summary, the available evidence is currently insufficient to determine the role of this variant in disease. Therefore, it has been classified as a Variant of Uncertain Significance.